The following is an entry in ClinVar:

NM_152296.5(ATP1A3):c.2908A>C (p.Met970Leu)

Gene: ATP1A3 (ATPase Na+/K+ transporting subunit alpha 3; minus strand). Cytogenetic location: 19q13.2.
Variant type: single nucleotide variant.
Coding change: c.2908A>C on transcript NM_152296.5 (MANE Select); coding-DNA position 2908, A replaced by C.
Protein change: p.Met970Leu; replaces methionine 970 with leucine.
Molecular consequence: missense variant.
Genome position (GRCh38, 1-based): chr19:41,967,675, T>G on the plus strand (A>C on the coding strand, the complement: ATP1A3 is on the minus strand). VCF-style: chr19-41967675-T-G. GRCh37 (hg19) VCF-style: chr19-42471827-T-G.
Other names: c.2941A>C, p.Met981Leu (NM_001256213.2); c.2947A>C, p.Met983Leu (NM_001256214.2); short protein forms M981L, M983L, M970L.
Identifiers: ClinVar variation 1994445 (VCV001994445.4), dbSNP rs2514025203, ClinGen allele CA406035385.

ClinVar aggregate classification (germline): Uncertain significance (1 of 4 stars; one submission).

Conditions:
Dystonia 12 (DYT12). Also called: Rapid-Onset Dystonia-Parkinsonism (RDP); DYT-ATP1A3. Identifiers: Orphanet 71517, MedGen C1868681, MONDO:0007496, OMIM 128235.

Submission:

Labcorp Genetics (formerly Invitae), Labcorp
Classification: Uncertain significance for Dystonia 12. Last evaluated: 2022-05-14. Review status: criteria provided, single submitter. Criteria: Invitae Variant Classification Sherloc (09022015). Collection method: clinical testing. Allele origin: germline.
Comment: In summary, the available evidence is currently insufficient to determine the role of this variant in disease. Therefore, it has been classified as a Variant of Uncertain Significance. This sequence change replaces methionine, which is neutral and non-polar, with leucine, which is neutral and non-polar, at codon 970 of the ATP1A3 protein (p.Met970Leu). This variant is not present in population databases (gnomAD no frequency). This variant has not been reported in the literature in individuals affected with ATP1A3-related conditions. Algorithms developed to predict the effect of missense changes on protein structure and function are either unavailable or do not agree on the potential impact of this missense change (SIFT: "Deleterious"; PolyPhen-2: "Benign"; Align-GVGD: "Class C0").